The following is an entry in ClinVar:

NM_015425.6(POLR1A):c.889T>C (p.Phe297Leu)

Gene: POLR1A (RNA polymerase I subunit A; minus strand). Cytogenetic location: 2p11.2.
Variant type: single nucleotide variant.
Coding change: c.889T>C on transcript NM_015425.6 (MANE Select); coding-DNA position 889, T replaced by C.
Protein change: p.Phe297Leu; replaces phenylalanine 297 with leucine.
Molecular consequence: missense variant.
Genome position (GRCh38, 1-based): chr2:86,081,635, A>G on the plus strand (T>C on the coding strand, the complement: POLR1A is on the minus strand). VCF-style: chr2-86081635-A-G. GRCh37 (hg19) VCF-style: chr2-86308758-A-G.
Other names: short protein forms F297L.
Identifiers: ClinVar variation 1802134 (VCV001802134.1), dbSNP rs2466454416, ClinGen allele CA347553782.

ClinVar aggregate classification (germline): Uncertain significance (1 of 4 stars; one submission).

Submission:

GeneDx
Classification: Uncertain significance. Last evaluated: 2022-06-02. Review status: criteria provided, single submitter. Criteria: GeneDx Variant Classification Process June 2021. Collection method: clinical testing. Allele origin: germline. Affected: yes.
Comment: Not observed at significant frequency in large population cohorts (gnomAD); In silico analysis supports that this missense variant has a deleterious effect on protein structure/function; Has not been previously published as pathogenic or benign to our knowledge